The following is an entry in ClinVar:

ClinVar aggregate classification (germline): Uncertain significance. Review status: criteria provided, multiple submitters, no conflicts (2 of 4 stars). 4 submissions from 4 submitters: Uncertain significance (4). Last evaluated 2026-09-11.

Conditions:
Cardiomyopathy (CMYO). Also called: Cardiomyopathies. Identifiers: Orphanet 167848, MedGen C0878544, MONDO:0004994, HP:0001638. Inheritance: Various modes of inheritance.
Arrhythmogenic right ventricular dysplasia 9 (ARVD9). Also called: Arrhythmogenic Right Ventricular Dysplasia/Cardiomyopathy 9; ARRHYTHMOGENIC RIGHT VENTRICULAR DYSPLASIA, FAMILIAL, 9. Identifiers: MedGen C1836906, MONDO:0012180, OMIM 609040.
Cardiovascular phenotype. Identifiers: MedGen CN230736.

Allele frequency attached by ClinVar (database versions not stated): gnomAD 0.00001; TOPMed 0.00001.
gnomAD v4.1: 1 of 1,613,782 alleles (0.000062%); highest among the groups gnomAD compares: Non-Finnish European, 0.000085%; no homozygotes.

Submissions (4):

Ambry Genetics
Classification: Uncertain significance for Cardiovascular phenotype. Last evaluated: 2026-09-11. Review status: criteria provided, single submitter. Criteria: Ambry Variant Classification Scheme 2023. Collection method: clinical testing. Allele origin: germline.
Comment: The p.D542N variant (also known as c.1624G>A), located in coding exon 7 of the PKP2 gene, results from a G to A substitution at nucleotide position 1624. The aspartic acid at codon 542 is replaced by asparagine, an amino acid with highly similar properties. This amino acid position is conserved. In addition, this alteration is predicted to be tolerated by in silico analysis. Based on the available evidence, the clinical significance of this variant remains unclear.

Color Diagnostics, LLC DBA Color Health
Classification: Uncertain significance for Cardiomyopathy. Last evaluated: 2024-03-06. Review status: criteria provided, single submitter. Criteria: ACMG Guidelines, 2015. Collection method: clinical testing. Allele origin: germline.
Comment: This missense variant replaces aspartic acid with asparagine at codon 542 of the PKP2 protein. Computational prediction suggests that this variant may not impact protein structure and function (internally defined REVEL score threshold <= 0.5, PMID: 27666373). To our knowledge, functional studies have not been reported for this variant. This variant has not been reported in individuals affected with cardiovascular disorders in the literature. This variant has not been identified in the general population by the Genome Aggregation Database (gnomAD). The available evidence is insufficient to determine the role of this variant in disease conclusively. Therefore, this variant is classified as a Variant of Uncertain Significance.

Labcorp Genetics (formerly Invitae), Labcorp
Classification: Uncertain significance for Arrhythmogenic right ventricular dysplasia 9. Last evaluated: 2023-11-08. Review status: criteria provided, single submitter. Criteria: Invitae Variant Classification Sherloc (09022015). Collection method: clinical testing. Allele origin: germline.
Comment: This sequence change replaces aspartic acid, which is acidic and polar, with asparagine, which is neutral and polar, at codon 542 of the PKP2 protein (p.Asp542Asn). This variant is not present in population databases (gnomAD no frequency). This variant has not been reported in the literature in individuals affected with PKP2-related conditions. ClinVar contains an entry for this variant (Variation ID: 1171703). An algorithm developed to predict the effect of missense changes on protein structure and function (PolyPhen-2) suggests that this variant is likely to be disruptive. In summary, the available evidence is currently insufficient to determine the role of this variant in disease. Therefore, it has been classified as a Variant of Uncertain Significance.

Mayo Clinic Laboratories, Mayo Clinic
Classification: Uncertain significance. Last evaluated: 2023-02-23. Review status: criteria provided, single submitter. Criteria: ACMG Guidelines, 2015. Collection method: clinical testing. Allele origin: germline. Observed: 1 variant allele.
Comment: PM2_supporting

NM_001005242.3(PKP2):c.1492G>A (p.Asp498Asn)

Gene: PKP2 (plakophilin 2; minus strand). Cytogenetic location: 12p11.21.
Variant type: single nucleotide variant.
Coding change: c.1492G>A on transcript NM_001005242.3 (MANE Select); coding-DNA position 1492, G replaced by A.
Protein change: p.Asp498Asn; replaces aspartic acid 498 with asparagine.
Molecular consequence: missense variant.
Genome position (GRCh38, 1-based): chr12:32,841,092, C>T on the plus strand (G>A on the coding strand, the complement: PKP2 is on the minus strand). VCF-style: chr12-32841092-C-T. GRCh37 (hg19) VCF-style: chr12-32994026-C-T.
Other names: p.Asp542Asn; c.1624G>A, p.Asp542Asn (NM_004572.4); short protein forms D498N, D542N.
Identifiers: ClinVar variation 1171703 (VCV001171703.14), dbSNP rs879068263, ClinGen allele CA235249101.